The following is an entry in ClinVar:

ClinVar aggregate classification (germline): Uncertain significance. Review status: criteria provided, multiple submitters, no conflicts (2 of 4 stars). 2 submissions from 2 submitters: Uncertain significance (2). Last evaluated 2026-04-26.

Conditions:
Karayol-Borroto-Haghshenas neurodevelopmental syndrome. Identifiers: MedGen C5975476, MONDO:0975836, OMIM 620985.

gnomAD v4.1: 23 of 1,614,064 alleles (0.0014%); highest among the groups gnomAD compares: Admixed American, 0.013%; no homozygotes.

Submissions (2):

Dasa
Classification: Uncertain significance for Karayol-Borroto-Haghshenas neurodevelopmental syndrome. Last evaluated: 2026-04-26. Review status: criteria provided, single submitter. Criteria: DASA Assertion Criteria. Collection method: clinical testing. Allele origin: germline.
Comment: NM_018133.4(MSL2):c.1120G>A (p.Val374Met) is a missense variant that results in the substitution of valine with methionine. This variant is rare in population databases. Computational prediction algorithms are consistent with a benign effect. The currently available literature and clinical evidence are not sufficient to establish a definitive association between this variant and the reported condition. Therefore, this variant is classified as a variant of uncertain significance.

Ambry Genetics
Classification: Uncertain significance. Last evaluated: 2025-01-26. Review status: criteria provided, single submitter. Criteria: Ambry Variant Classification Scheme 2023. Collection method: clinical testing. Allele origin: germline.

NM_018133.4(MSL2):c.1120G>A (p.Val374Met)

Gene: MSL2 (MSL complex subunit 2; minus strand). Cytogenetic location: 3q22.3.
Variant type: single nucleotide variant.
Coding change: c.1120G>A on transcript NM_018133.4 (MANE Select); coding-DNA position 1120, G replaced by A.
Protein change: p.Val374Met; replaces valine 374 with methionine.
Molecular consequence: missense variant.
Genome position (GRCh38, 1-based): chr3:136,151,761, C>T on the plus strand (G>A on the coding strand, the complement: MSL2 is on the minus strand). VCF-style: chr3-136151761-C-T. GRCh37 (hg19) VCF-style: chr3-135870603-C-T.
Other names: c.898G>A, p.Val300Met (NM_001145417.2); short protein forms V374M, V300M.
Identifiers: ClinVar variation 3875120 (VCV003875120.3).